The following is an entry in ClinVar:

ClinVar aggregate classification (germline): Uncertain significance (1 of 4 stars; one submission).

Conditions:
Fanconi anemia (FA). Also called: Fanconi's anemia. Identifiers: Orphanet 84, MedGen C0015625, MeSH D005199, MONDO:0019391.

gnomAD v4.1: 1 of 1,613,874 alleles (0.000062%); highest among the groups gnomAD compares: Middle Eastern, 0.017%; no homozygotes.

Submission:

Labcorp Genetics (formerly Invitae), Labcorp
Classification: Uncertain significance for Fanconi anemia. Last evaluated: 2021-10-14. Review status: criteria provided, single submitter. Criteria: Invitae Variant Classification Sherloc (09022015). Collection method: clinical testing. Allele origin: germline.
Comment: This sequence change replaces valine with methionine at codon 301 of the FANCA protein (p.Val301Met). The valine residue is weakly conserved and there is a small physicochemical difference between valine and methionine. This variant is present in population databases (rs201134867, ExAC 0.002%). This variant has not been reported in the literature in individuals affected with FANCA-related conditions. Algorithms developed to predict the effect of missense changes on protein structure and function output the following: SIFT: "Tolerated"; PolyPhen-2: "Possibly Damaging"; Align-GVGD: "Class C0". The methionine amino acid residue is found in multiple mammalian species, which suggests that this missense change does not adversely affect protein function. In summary, the available evidence is currently insufficient to determine the role of this variant in disease. Therefore, it has been classified as a Variant of Uncertain Significance.

NM_000135.4(FANCA):c.901G>A (p.Val301Met)

Gene: FANCA (FA complementation group A; minus strand). Cytogenetic location: 16q24.3.
Variant type: single nucleotide variant.
Coding change: c.901G>A on transcript NM_000135.4 (MANE Select); coding-DNA position 901, G replaced by A.
Protein change: p.Val301Met; replaces valine 301 with methionine.
Molecular consequence: missense variant.
Genome position (GRCh38, 1-based): chr16:89,796,011, C>T on the plus strand (G>A on the coding strand, the complement: FANCA is on the minus strand). VCF-style: chr16-89796011-C-T. GRCh37 (hg19) VCF-style: chr16-89862419-C-T.
Other names: c.901G>A, p.Val301Met (NM_001286167.3); short protein forms V301M.
Identifiers: ClinVar variation 1357288 (VCV001357288.5), dbSNP rs201134867, ClinGen allele CA8252638.